The following is an entry in ClinVar:

NM_032043.3(BRIP1):c.1794+7T>G

Gene: BRIP1 (BRCA1 interacting DNA helicase 1; minus strand). Cytogenetic location: 17q23.2.
Variant type: single nucleotide variant.
Coding change: c.1794+7T>G on transcript NM_032043.3 (MANE Select); 7 bases into the intron after coding-DNA position 1794, T replaced by G.
Molecular consequence: intron variant.
Genome position (GRCh38, 1-based): chr17:61,780,833, A>C on the plus strand (T>G on the coding strand, the complement: BRIP1 is on the minus strand). VCF-style: chr17-61780833-A-C. GRCh37 (hg19) VCF-style: chr17-59858194-A-C.
Identifiers: ClinVar variation 1461070 (VCV001461070.11), dbSNP rs2145089607, ClinGen allele CA2573154334.
Genomic context (GRCh38, chr17:61,780,833, plus strand): 5'-AACCACATTTATTAAAATGCTGGTACTGAGCAAGAAGACAAAATTTCCATTTACATGATG[A>C]GCTTACCACAGCTGGATTTAAGCACCAAAAGTTTAGCACATGAACTGCAGTTTTCTGTCG-3'

ClinVar aggregate classification (germline): Likely benign. Review status: criteria provided, multiple submitters, no conflicts (2 of 4 stars). 3 submissions from 3 submitters: Likely benign (3). Last evaluated 2025-03-05.

Conditions:
Familial cancer of breast. Also called: hereditary breast carcinoma; BREAST CANCER, FAMILIAL; Hereditary breast cancer. Identifiers: Orphanet 227535, MedGen C0346153, MONDO:0016419, OMIM 114480. Disease mechanism: loss of function.
Fanconi anemia complementation group J. Also called: BRIP1-Related Fanconi Anemia. Identifiers: Orphanet 84, MedGen C1836860, MONDO:0012187, OMIM 609054.

Submissions (3):

Labcorp Genetics (formerly Invitae), Labcorp
Classification: Likely benign for Familial cancer of breast; Fanconi anemia complementation group J. Last evaluated: 2025-03-05. Review status: criteria provided, single submitter. Criteria: Invitae Variant Classification Sherloc (09022015). Collection method: clinical testing. Allele origin: germline.

Myriad Genetics, Inc.
Classification: Likely benign for Familial cancer of breast. Last evaluated: 2024-08-29. Review status: criteria provided, single submitter. Criteria: Myriad Autosomal Dominant, Autosomal Recessive and X-Linked Classification Criteria (2023). Collection method: clinical testing. Allele origin: unknown.
Comment: This variant is considered likely benign. This variant is intronic and is not expected to impact mRNA splicing.

Blueprint Genetics
Classification: Likely benign. Last evaluated: 2023-12-15. Review status: criteria provided, single submitter. Criteria: ACMG Guidelines, 2015. Collection method: clinical testing. Allele origin: germline.